The following is an entry in ClinVar:

NM_002693.3(POLG):c.856-3C>T

Gene: POLG (DNA polymerase gamma, catalytic subunit; minus strand). Cytogenetic location: 15q26.1.
Variant type: single nucleotide variant.
Coding change: c.856-3C>T on transcript NM_002693.3 (MANE Select); 3 bases into the intron before coding-DNA position 856, C replaced by T.
Molecular consequence: intron variant.
Genome position (GRCh38, 1-based): chr15:89,329,113, G>A on the plus strand (C>T on the coding strand, the complement: POLG is on the minus strand). VCF-style: chr15-89329113-G-A. GRCh37 (hg19) VCF-style: chr15-89872344-G-A.
Other names: c.856-3C>T (NM_001126131.2).
Identifiers: ClinVar variation 1063541 (VCV001063541.8), dbSNP rs576339221, ClinGen allele CA7725013.

ClinVar aggregate classification (germline): Uncertain significance. Review status: criteria provided, multiple submitters, no conflicts (2 of 4 stars). 3 submissions from 3 submitters: Uncertain significance (3). Last evaluated 2024-08-15.

Conditions:
Mitochondrial DNA depletion syndrome 1. Also called: POLIP SYNDROME; POLYNEUROPATHY, OPHTHALMOPLEGIA, LEUKOENCEPHALOPATHY, AND INTESTINAL PSEUDOOBSTRUCTION; Mitochondrial neurogastrointestinal encephalomyopathy syndrome; Mitochondrial DNA depletion syndrome 1 (MNGIE type); Mitochondrial Neurogastrointestinal Encephalopathy Disease; MITOCHONDRIAL NEUROGASTROINTESTINAL ENCEPHALOPATHY SYNDROME, TYMP-RELATED. Identifiers: Orphanet 298, MedGen C4551995, MONDO:0011283, OMIM 603041.
Progressive external ophthalmoplegia with mitochondrial DNA deletions, autosomal recessive 1 (PEOB1). Also called: Progressive external ophthalmoplegia, autosomal recessive 1; Autosomal Recessive Progressive External Ophthalmoplegia (arPEO). Identifiers: Orphanet 254886, MedGen C4225153, MONDO:0009783, OMIM 258450.
Progressive external ophthalmoplegia with mitochondrial DNA deletions, autosomal dominant 1 (PEOA1). Also called: Autosomal Dominant Progressive External Ophthalmoplegia (adPEO); PROGRESSIVE EXTERNAL OPHTHALMOPLEGIA, AUTOSOMAL DOMINANT 1. Identifiers: MedGen C1834846, MONDO:0024528, OMIM 157640.
Sensory ataxic neuropathy, dysarthria, and ophthalmoparesis (SANDO). Also called: Epilepsy, progressive myoclonic, type 5; Ataxia Neuropathy Spectrum (ANS); SENSORY ATAXIC NEUROPATHY WITH MITOCHONDRIAL DNA DELETIONS, AUTOSOMAL RECESSIVE; Sensory ataxic neuropathy-dysarthria-ophthalmoparesis syndrome. Identifiers: Orphanet 70595, MedGen C1843851, MONDO:0011835, OMIM 607459.
Progressive sclerosing poliodystrophy (MTDPS4A). Also called: NEURONAL DEGENERATION OF CHILDHOOD WITH LIVER DISEASE, PROGRESSIVE; Alpers-Huttenlocher Syndrome (AHS); ALPERS PROGRESSIVE INFANTILE POLIODYSTROPHY; Mitochondrial DNA Depletion Syndrome 4A; Alpers Syndrome; ALPERS DIFFUSE DEGENERATION OF CEREBRAL GRAY MATTER WITH HEPATIC CIRRHOSIS. Identifiers: Orphanet 726, MedGen C0205710, MONDO:0008758, OMIM 203700.
Mitochondrial DNA depletion syndrome 4b. Also called: Mitochondrial Neurogastrointestinal Encephalopathy Disease, POLG-Related; MNGIE, POLG-RELATED. Identifiers: Orphanet 298, MedGen C3150914, MONDO:0013350, OMIM 613662.

Allele frequency attached by ClinVar (database versions not stated): gnomAD exomes below 0.00001 and 0.00001; ExAC 0.00001; gnomAD 0.00001; 1000 Genomes Project 0.00020.
gnomAD v4.1: 5 of 1,600,456 alleles (0.00031%); highest among the groups gnomAD compares: South Asian, 0.0033%; no homozygotes.

Submissions (3):

Women's Health and Genetics/Laboratory Corporation of America, LabCorp
Classification: Uncertain significance. Last evaluated: 2024-08-15. Review status: criteria provided, single submitter. Criteria: LabCorp Variant Classification Summary - May 2015. Collection method: clinical testing. Allele origin: germline.
Comment: Variant summary: POLG c.856-3C>T alters a conserved nucleotide located close to a canonical splice site and therefore could affect mRNA splicing, leading to a significantly altered protein sequence. Consensus agreement among computation tools predict no significant impact on normal splicing. However, these predictions have yet to be confirmed by functional studies. The variant allele was found at a frequency of 8.4e-06 in 239272 control chromosomes. The available data on variant occurrences in the general population are insufficient to allow any conclusion about variant significance. To our knowledge, no occurrence of c.856-3C>T in individuals affected with POLG-Related Spectrum Disorders and no experimental evidence demonstrating its impact on protein function have been reported. ClinVar contains an entry for this variant (Variation ID: 1063541). Based on the evidence outlined above, the variant was classified as uncertain significance.

Labcorp Genetics (formerly Invitae), Labcorp
Classification: Uncertain significance for Progressive sclerosing poliodystrophy. Last evaluated: 2022-02-03. Review status: criteria provided, single submitter. Criteria: Invitae Variant Classification Sherloc (09022015). Collection method: clinical testing. Allele origin: germline.
Comment: This sequence change falls in intron 3 of the POLG gene. It does not directly change the encoded amino acid sequence of the POLG protein. It affects a nucleotide within the consensus splice site. This variant is present in population databases (rs576339221, gnomAD 0.007%). This variant has not been reported in the literature in individuals affected with POLG-related conditions. ClinVar contains an entry for this variant (Variation ID: 1063541). Variants that disrupt the consensus splice site are a relatively common cause of aberrant splicing (PMID: 17576681, 9536098). Algorithms developed to predict the effect of sequence changes on RNA splicing suggest that this variant is not likely to affect RNA splicing. In summary, the available evidence is currently insufficient to determine the role of this variant in disease. Therefore, it has been classified as a Variant of Uncertain Significance.

Fulgent Genetics
Classification: Uncertain significance for Progressive external ophthalmoplegia with mitochondrial DNA deletions, autosomal dominant 1; Progressive sclerosing poliodystrophy; Progressive external ophthalmoplegia with mitochondrial DNA deletions, autosomal recessive 1; Mitochondrial DNA depletion syndrome 1; Sensory ataxic neuropathy, dysarthria, and ophthalmoparesis; Mitochondrial DNA depletion syndrome 4b. Last evaluated: 2021-09-21. Review status: criteria provided, single submitter. Criteria: ACMG Guidelines, 2015. Collection method: clinical testing. Allele origin: unknown.

Literature cited by the submitters: PubMed 17576681 (cited by Labcorp Genetics (formerly Invitae), Labcorp); PubMed 9536098 (cited by Labcorp Genetics (formerly Invitae), Labcorp).